The following is an entry in ClinVar:

NM_000257.4(MYH7):c.4493T>A (p.Phe1498Tyr)

Genes: MHRT (myosin heavy chain associated RNA transcript; plus strand), MYH7 (myosin heavy chain 7; minus strand). Cytogenetic location: 14q11.2.
Variant type: single nucleotide variant.
Coding change: c.4493T>A on transcript NM_000257.4 (MANE Select); coding-DNA position 4493, T replaced by A.
Protein change: p.Phe1498Tyr; replaces phenylalanine 1498 with tyrosine.
Molecular consequence: missense variant.
Genome position (GRCh38, 1-based): chr14:23,417,179, A>T on the plus strand (T>A on the coding strand, the complement: MYH7 is on the minus strand). VCF-style: chr14-23417179-A-T. GRCh37 (hg19) VCF-style: chr14-23886388-A-T.
Other names: c.4493T>A, p.Phe1498Tyr (NM_001407004.1); short protein forms F1498Y.
Identifiers: ClinVar variation 2689494 (VCV002689494.4), dbSNP rs1445128471, ClinGen allele CA389038297.
Genomic context (GRCh38, chr14:23,417,179, plus strand): 5'-AGCCCCTCCCCAGCCTCTTGGGCCCCCAGCACACCCTGCAGGTTTTTGTTCTCCCGCTTG[A>T]AGGTCTCCAGATGTTCCAGGGACTCCTCATAGGCGTTCTTGAGTTTGAAGAGCTCTGTGC-3'
Protein context (NP_000248.2, residues 1488-1508): YEESLEHLET[Phe1498Tyr]KRENKNLQEE

ClinVar aggregate classification (germline): Uncertain significance. Review status: criteria provided, multiple submitters, no conflicts (2 of 4 stars). 3 submissions from 3 submitters: Uncertain significance (3). Last evaluated 2025-07-24.

Conditions:
Cardiomyopathy (CMYO). Also called: Cardiomyopathies. Identifiers: Orphanet 167848, MedGen C0878544, MONDO:0004994, HP:0001638. Inheritance: Various modes of inheritance.

Allele frequency attached by ClinVar (database versions not stated): TOPMed 0.00001.
gnomAD v4.1: 9 of 1,613,962 alleles (0.00056%); highest among the groups gnomAD compares: African/African-American, 0.008%; no homozygotes.

Submissions (3):

Clinical Genetics Laboratory, Skane University Hospital Lund
Classification: Uncertain significance for Cardiomyopathy. Last evaluated: 2025-07-24. Review status: criteria provided, single submitter. Criteria: ACMG Guidelines, 2015. Collection method: clinical testing. Allele origin: germline. Affected: yes.
Comment: No ACMG-criteria applicable.

All of Us Research Program, National Institutes of Health
Classification: Uncertain significance for Cardiomyopathy. Last evaluated: 2023-12-18. Review status: criteria provided, single submitter. Criteria: ACMG Guidelines, 2015. Collection method: clinical testing. Allele origin: germline. Inheritance: Autosomal dominant inheritance. Observed: 3 variant alleles, 3 heterozygotes.
Comment: This missense variant replaces phenylalanine with tyrosine at codon 1498 of the MYH7 protein. Computational prediction is inconclusive regarding the impact of this variant on protein structure and function (internally defined REVEL score threshold 0.5 < inconclusive < 0.7, PMID: 27666373). To our knowledge, functional studies have not been reported for this variant. This variant has not been reported in individuals affected with cardiovascular disorders in the literature. This variant has been identified in 1/251492 chromosomes in the general population by the Genome Aggregation Database (gnomAD). The available evidence is insufficient to determine the role of this variant in disease conclusively. Therefore, this variant is classified as a Variant of Uncertain Significance.

This study involves interpretation of variants in research participants for the purpose of population health screening. Participant phenotype was not available at the time of variant classification. Additional details can be found in publication PMID: 35346344, PMCID: PMC8962531

Revvity Omics, Revvity
Classification: Uncertain significance. Last evaluated: 2023-08-02. Review status: criteria provided, single submitter. Criteria: ACMG Guidelines, 2015. Collection method: clinical testing. Allele origin: germline.